The following is an entry in ClinVar:

NM_000479.5(AMH):c.500A>G (p.Tyr167Cys)

Gene: AMH (anti-Mullerian hormone; plus strand). Cytogenetic location: 19p13.3.
Variant type: single nucleotide variant.
Coding change: c.500A>G on transcript NM_000479.5 (MANE Select); coding-DNA position 500, A replaced by G.
Protein change: p.Tyr167Cys; replaces tyrosine 167 with cysteine.
Molecular consequence: missense variant.
Genome position (GRCh38, 1-based): chr19:2,250,424, A>G. VCF-style: chr19-2250424-A-G. GRCh37 (hg19) VCF-style: chr19-2250423-A-G.
Other names: short protein forms Y167C.
Identifiers: ClinVar variation 2736758 (VCV002736758.4), dbSNP rs371874189, ClinGen allele CA9062881.

ClinVar aggregate classification (germline): Pathogenic. Review status: criteria provided, multiple submitters, no conflicts (2 of 4 stars). 2 submissions from 2 submitters: Pathogenic (2). Last evaluated 2026-03-31.

Allele frequency attached by ClinVar (database versions not stated): gnomAD 0.00003; ExAC 0.00004; gnomAD exomes 0.00004; TOPMed 0.00008; ESP Exome Variant Server 0.00016.
gnomAD v4.1: 74 of 1,562,550 alleles (0.0047%); highest among the groups gnomAD compares: Non-Finnish European, 0.0055%; no homozygotes.

Submissions (2):

Dasa
Classification: Pathogenic. Last evaluated: 2026-03-31. Review status: criteria provided, single submitter. Criteria: DASA Assertion Criteria. Collection method: clinical testing. Allele origin: germline.
Comment: NM_000479.5(AMH):c.500A>G (p.Tyr167Cys) is a missense variant that results in the substitution of tyrosine with cysteine. This variant has been recurrently observed in affected individuals with related phenotype in a genotype context consistent with recessive disease (PMID: 24367377; PMID: 34810374; PMID: 28528332; PMID: 8162013). Multiple computational predictions support a deleterious effect on the gene or gene product. The variant is present at low frequency in population datasets. Based on the available data, this variant is classified as pathogenic.

Labcorp Genetics (formerly Invitae), Labcorp
Classification: Pathogenic. Last evaluated: 2023-07-06. Review status: criteria provided, single submitter. Criteria: Invitae Variant Classification Sherloc (09022015). Collection method: clinical testing. Allele origin: germline.
Comment: For these reasons, this variant has been classified as Pathogenic. An algorithm developed to predict the effect of missense changes on protein structure and function (PolyPhen-2) suggests that this variant is likely to be disruptive. This missense change has been observed in individual(s) with persistent Mullerian duct syndrome (PMID: 8162013, 28528332). This variant is present in population databases (rs371874189, gnomAD 0.01%). This sequence change replaces tyrosine, which is neutral and polar, with cysteine, which is neutral and slightly polar, at codon 167 of the AMH protein (p.Tyr167Cys).

Literature cited by the submitters: PubMed 24367377 (cited by Dasa); PubMed 34810374 (cited by Dasa); PubMed 28528332 (cited by Dasa and Labcorp Genetics (formerly Invitae), Labcorp); PubMed 8162013 (cited by Dasa and Labcorp Genetics (formerly Invitae), Labcorp).